The following is an entry in ClinVar:

ClinVar aggregate classification (germline): Pathogenic. Review status: reviewed by expert panel (3 of 4 stars). 11 submissions from 10 submitters: Pathogenic (1). 10 of the submissions do not count toward it. Last evaluated 2023-11-14.

Conditions:
RAG1-related disorder. Also called: RAG1-related condition; RAG1-related disorders.
Histiocytic medullary reticulosis. Also called: Omenn syndrome; SEVERE COMBINED IMMUNODEFICIENCY WITH HYPEREOSINOPHILIA. Identifiers: Orphanet 39041, MedGen C2700553, MONDO:0011338, OMIM 603554.
Severe combined immunodeficiency, autosomal recessive, T cell-negative, B cell-negative, NK cell-positive. Also called: SCID, T CELL-NEGATIVE, B CELL-NEGATIVE, NK CELL-POSITIVE; SCID, AR, T-cell negative, B-cell negative, NK cell-positive; Severe combined immunodeficiency due to complete RAG1/2 deficiency. Identifiers: Orphanet 331206, MedGen C1832322, MONDO:0011086, OMIM 601457.
Combined immunodeficiency with skin granulomas. Identifiers: Orphanet 157949, MedGen C2673536, MONDO:0009306, OMIM 233650.
Severe combined immunodeficiency disease. Also called: Severe combined immunodeficiency; Severe Combined Immune Deficiency. Identifiers: Orphanet 183660, MedGen C0085110, MeSH D016511, MONDO:0015974, HP:0004430. Inheritance: X-Linked or Autosomal recessive.
Combined immunodeficiency due to partial RAG1 deficiency. Identifiers: Orphanet 231154, MedGen C1835931, MONDO:0012359, OMIM 609889.
Recombinase activating gene 1 deficiency. Identifiers: MedGen CN375631, MONDO:0000572.

Allele frequency attached by ClinVar (database versions not stated): gnomAD exomes 0.00001 and 0.00005; ExAC 0.00004; gnomAD 0.00005; TOPMed 0.00005; ESP Exome Variant Server 0.00016.

Submissions (11):

ClinGen Severe Combined Immunodeficiency Variant Curation Expert Panel, ClinGen
Classification: Pathogenic for Recombinase activating gene 1 deficiency. Last evaluated: 2023-11-14. Review status: reviewed by expert panel. Criteria: ClinGen SCID ACMG Specifications RAG1 V1.0.0. Collection method: curation. Allele origin: germline. Inheritance: Autosomal recessive inheritance.
Comment: The c.256_257del (p.Lys86ValfsTer33) variant in RAG1 is a frameshift variant that may cause a premature stop codon that is predicted to escape nonsense-mediated decay. The variant causes a truncation of a functionally important region (removes amino acids 86-1011) of the RAG1 protein. The variants also cause the usage of an alternative in-frame start codon (Met183), but the alternatively transcribed protein has decreased recombination activity and mislocalization in cells (PMIDs 11121059, 27301863). So the variant may cause protein loss-of-function (PVS1; PMIDs 11121059, 27301863). The filtering allele frequency based on the European (non-Finnish) population (upper bound of 95% CI of 6/128846 observed alleles) is 0.000007030 in gnomAD v2.1.1 which is below the SCID-VCEP threshold (<0.000102) and therefore meets this criterion (PM2_Supporting). The in vitro recombination assay shows that the p.Lys86ValfsTer33 variant in RAG1 causes a decrease of recombination activity to below 25%, indicating that the variant impacts the protein function. (PS3_Moderate; PMID 24290284). 1pt for PM3. (PMID 11121059, patient OS8; PMID 32655540, patient #32). PM3 met. 1pt in total, PP4 met. (PMID 32655540, proband #32) In summary, this variant meets the criteria to be classified as Pathogenic for autosomal recessive SCID based on the ACMG/AMP criteria applied, as specified by the ClinGen SCID VCEP. Criteria applied: PVS1, PM2_supporting, PM3_moderate, PS3_moderate, and PP4_supporting. (VCEP specifications version 1).

PreventionGenetics, part of Exact Sciences
Classification: Pathogenic for RAG1-related condition. Last evaluated: 2026-09-14. Review status: criteria provided, single submitter. Criteria: ACMG Guidelines, 2015. Collection method: clinical testing. Allele origin: germline. Not counted in ClinVar's aggregate classification.
Comment: The RAG1 c.256_257delAA variant is predicted to result in a frameshift and premature protein termination (p.Lys86Valfs*33). In the literature, this variant is also referred to as c.368_369delAA. This variant has been reported as causative for autosomal recessive Omenn syndrome, as well as severe combined immunodeficiency syndrome (Villa et al. 1998. PubMed ID: 9630231; Table 2, Kutukculer et al. 2012. PubMed ID: 22424479; Sharapova et al. 2013. PubMed ID: 23085344; IJspeert et al. 2014. PubMed ID: 24418478; Buchbinder et al. 2015. PubMed ID: 25516070). It is reported to be a founder mutation in Slavic populations that originated in Poland (Sharapova et al. 2020. PubMed ID: 32655540). Experimental studies indicated this variant reduces RAG1 activity compared to wildtype (IJspeert et al. 2014. PubMed ID: 24418478). This variant is reported in 0.0047% of alleles in individuals of European (Non-Finnish) descent in gnomAD. Frameshift variants in RAG1 are expected to be pathogenic. This variant is interpreted as pathogenic.

Labcorp Genetics (formerly Invitae), Labcorp
Classification: Pathogenic for Combined immunodeficiency with skin granulomas; Severe combined immunodeficiency, autosomal recessive, T cell-negative, B cell-negative, NK cell-positive. Last evaluated: 2025-12-31. Review status: criteria provided, single submitter. Criteria: Invitae Variant Classification Sherloc (09022015). Collection method: clinical testing. Allele origin: germline. Not counted in ClinVar's aggregate classification.
Comment: This sequence change creates a premature translational stop signal (p.Lys86Valfs*33) in the RAG1 gene. While this is not anticipated to result in nonsense mediated decay, it is expected to disrupt the last 958 amino acid(s) of the RAG1 protein. This variant is present in population databases (rs772962160, gnomAD 0.006%). This premature translational stop signal has been observed in individuals with Omenn syndrome or severe combined immunodeficiency (PMID: 9630231, 22424479, 23085344, 24290284, 25516070). ClinVar contains an entry for this variant (Variation ID: 285045). Algorithms developed to predict the effect of variants on gene product structure and function are not available or were not evaluated for this variant. Experimental studies have shown that this premature translational stop signal affects RAG1 function (PMID: 10891452, 24418478, 25516070). For these reasons, this variant has been classified as Pathogenic.

Blueprint Genetics
Classification: Pathogenic for RAG1-related disorders. Last evaluated: 2024-11-07. Review status: criteria provided, single submitter. Criteria: ACMG Guidelines, 2015. Collection method: clinical testing. Allele origin: germline. Affected: yes. Observed: 5 variant alleles. Not counted in ClinVar's aggregate classification.

Fulgent Genetics
Classification: Pathogenic for Combined immunodeficiency with skin granulomas; Severe combined immunodeficiency, autosomal recessive, T cell-negative, B cell-negative, NK cell-positive; Histiocytic medullary reticulosis; Combined immunodeficiency due to partial RAG1 deficiency. Last evaluated: 2024-04-04. Review status: criteria provided, single submitter. Criteria: ACMG Guidelines, 2015. Collection method: clinical testing. Allele origin: germline. Not counted in ClinVar's aggregate classification.

Baylor Genetics
Classification: Pathogenic for Combined immunodeficiency due to partial RAG1 deficiency. Last evaluated: 2024-03-27. Review status: criteria provided, single submitter. Criteria: ACMG Guidelines, 2015. Collection method: clinical testing. Allele origin: unknown. Not counted in ClinVar's aggregate classification.

Women's Health and Genetics/Laboratory Corporation of America, LabCorp
Classification: Pathogenic for Severe combined immunodeficiency disease. Last evaluated: 2022-03-23. Review status: criteria provided, single submitter. Criteria: LabCorp Variant Classification Summary - May 2015. Collection method: clinical testing. Allele origin: germline. Not counted in ClinVar's aggregate classification.
Comment: Variant summary: RAG1 c.256_257delAA (p.Lys86ValfsX33) results in a premature termination codon, predicted to cause a truncation of the encoded protein or absence of the protein due to nonsense mediated decay, which are commonly known mechanisms for disease. Truncations downstream of this position have been classified as pathogenic by our laboratory. The variant allele was found at a frequency of 1.2e-05 in 251098 control chromosomes. c.256_257delAA has been reported in the literature in multiple individuals affected with Severe Combined Immunodeficiency Syndrome/Omenn Syndrome. Four clinical diagnostic laboratories have submitted clinical-significance assessments for this variant to ClinVar after 2014 without evidence for independent evaluation. All laboratories classified the variant as pathogenic. Based on the evidence outlined above, the variant was classified as pathogenic.

Illumina Laboratory Services, Illumina
Classification: Pathogenic for RAG1-Related Disorders. Last evaluated: 2017-04-28. Review status: criteria provided, single submitter. Criteria: ICSL Variant Classification Criteria 09 May 2019. Collection method: clinical testing. Allele origin: germline. Not counted in ClinVar's aggregate classification.
Comment: The RAG1 c.256_257delAA (p.Lys86ValfsTer33) variant is a frameshift variant that is predicted to result in premature termination of the protein. The p.Lys86ValfsTer33 variant has been reported in five studies in which it is found in a total of 14 individuals with RAG1-related disorders, including in eight in a homozygous state, five in a compound heterozygous state, and one in a heterozygous state (Abraham et al. 2013; Lee et al. 2014; Buchbinder et al. 2015; Walter et al. 2015; Brauer et al. 2016). Homozygous individuals included six with severe combined immune deficiency (SCID) and two with Omenn syndrome (OS); compound heterozygous individuals included two with OS, one with common variable immunodeficiency disorder (CVID), two with combined immune deficiency with granuloma and/or autoimmunity (CID-G/A); the heterozygote had an unspecified immunodeficiency. Control data are unavailable for this variant, which is reported at a frequency of 0.00008 in the European (non-Finnish) population of the Exome Aggregation Consortium. The p.Lys86ValfsTer33 variant protein was found to have approximately three percent of wild type RAG1 recombinase activity when analyzed in pro-B cells that were deficient for wild type RAG1 (Abraham et al. 2013; Buchbinder et al. 2015; Brauer et al. 2016). Based on the evidence and potential impact of frameshift variants, the p.Lys86ValfsTer33 variant is classified as pathogenic for RAG1-related disorders. This variant was observed by ICSL as part of a predisposition screen in an ostensibly healthy population.

Eurofins Ntd Llc (ga)
Classification: Pathogenic. Last evaluated: 2015-12-02. Review status: criteria provided, single submitter. Criteria: EGL Classification Definitions 2015. Collection method: clinical testing. Allele origin: germline. Observed: 1 variant allele, 1 heterozygote. Not counted in ClinVar's aggregate classification.

OMIM
Classification: Pathogenic for OMENN SYNDROME. Last evaluated: 2005-11-01. Review status: no assertion criteria provided. Collection method: literature only. Allele origin: germline. Not counted in ClinVar's aggregate classification.

OMIM
Classification: Pathogenic for ALPHA/BETA T-CELL LYMPHOPENIA WITH GAMMA/DELTA T-CELL EXPANSION, SEVERE CYTOMEGALOVIRUS INFECTION, AND AUTOIMMUNITY. Last evaluated: 2005-11-01. Review status: no assertion criteria provided. Collection method: literature only. Allele origin: germline. Not counted in ClinVar's aggregate classification.

Literature cited by the submitters: PubMed 9630231 (cited by Labcorp Genetics (formerly Invitae), Labcorp and OMIM); PubMed 22424479 (cited by Labcorp Genetics (formerly Invitae), Labcorp); PubMed 23085344 (cited by Labcorp Genetics (formerly Invitae), Labcorp); PubMed 24290284 (cited by Labcorp Genetics (formerly Invitae), Labcorp and Illumina Laboratory Services, Illumina); PubMed 25516070 (cited by Labcorp Genetics (formerly Invitae), Labcorp and Illumina Laboratory Services, Illumina); PubMed 10891452 (cited by Labcorp Genetics (formerly Invitae), Labcorp); PubMed 24418478 (cited by Labcorp Genetics (formerly Invitae), Labcorp and Eurofins Ntd Llc (ga)); PubMed 17572155 (cited by Women's Health and Genetics/Laboratory Corporation of America, LabCorp); PubMed 11121059 (cited by Women's Health and Genetics/Laboratory Corporation of America, LabCorp and OMIM); PubMed 11313270 (cited by Women's Health and Genetics/Laboratory Corporation of America, LabCorp); PubMed 23122631 (cited by Illumina Laboratory Services, Illumina and Eurofins Ntd Llc (ga)); PubMed 26457731 (cited by Illumina Laboratory Services, Illumina); PubMed 27301863 (cited by Illumina Laboratory Services, Illumina); PubMed 16276422 (cited by OMIM).

NM_000448.3(RAG1):c.256_257del (p.Lys86fs)

Gene: RAG1 (recombination activating 1; plus strand). Cytogenetic location: 11p12.
Variant type: Deletion.
Coding change: c.256_257del on transcript NM_000448.3 (MANE Select); coding-DNA positions 256 to 257, 2 bases deleted (AA; older notation c.256_257delAA).
Protein change: p.Lys86fs; shifts the reading frame from lysine 86.
Molecular consequence: frameshift variant.
Genome position (GRCh38, 1-based): chr11:36,573,560-36,573,561, AA deleted. VCF-style (leftmost placement, unchanged base first): chr11-36573559-TAA-T. GRCh37 (hg19) VCF-style: chr11-36595109-TAA-T.
Other names: NM_000448.3(RAG1):c.256_257del; p.Lys86fs; c.256_257del, p.Lys86fs (NM_001377277.1, NM_001377278.1, NM_001377279.1 and 1 more transcripts); c.256_257delAA (NM_000448.2).
Identifiers: ClinVar variation 285045 (VCV000285045.26), dbSNP rs772962160, ClinGen allele CA5949936.